The following is an entry in ClinVar:

ClinVar aggregate classification (germline): Uncertain significance. Review status: criteria provided, multiple submitters, no conflicts (2 of 4 stars). 4 submissions from 4 submitters: Uncertain significance (4). Last evaluated 2025-10-21.

Conditions:
Retinitis pigmentosa 71 (RP71). Identifiers: Orphanet 791, MedGen C4225342, MONDO:0014618, OMIM 616394.
Short-rib thoracic dysplasia 10 with or without polydactyly (SRTD10). Identifiers: Orphanet 474, MedGen C3810175, MONDO:0014284, OMIM 615630.
IFT172-related disorder. Also called: IFT172-related condition; IFT172-related disorders.
Inborn genetic diseases. Identifiers: MedGen C0950123, MeSH D030342.

Submissions (4):

Ambry Genetics
Classification: Uncertain significance for Inborn genetic diseases. Last evaluated: 2025-10-21. Review status: criteria provided, single submitter. Criteria: Ambry Variant Classification Scheme 2023. Collection method: clinical testing. Allele origin: germline.

PreventionGenetics, part of Exact Sciences
Classification: Uncertain significance for IFT172-related condition. Last evaluated: 2025-09-23. Review status: criteria provided, single submitter. Criteria: ACMG Guidelines, 2015. Collection method: clinical testing. Allele origin: germline.
Comment: The IFT172 c.748C>G variant is predicted to result in the amino acid substitution p.Pro250Ala. To our knowledge, this variant has not been reported in the literature or in a large population database (gnomAD), indicating this variant is rare. At this time, the clinical significance of this variant is uncertain due to the absence of conclusive functional and genetic evidence.

GeneDx
Classification: Uncertain significance. Last evaluated: 2022-04-11. Review status: criteria provided, single submitter. Criteria: GeneDx Variant Classification Process June 2021. Collection method: clinical testing. Allele origin: germline. Affected: yes.
Comment: Not observed at significant frequency in large population cohorts (gnomAD); In silico analysis supports that this missense variant has a deleterious effect on protein structure/function; Has not been previously published as pathogenic or benign to our knowledge

Labcorp Genetics (formerly Invitae), Labcorp
Classification: Uncertain significance for Retinitis pigmentosa 71; Short-rib thoracic dysplasia 10 with or without polydactyly. Last evaluated: 2022-03-19. Review status: criteria provided, single submitter. Criteria: Invitae Variant Classification Sherloc (09022015). Collection method: clinical testing. Allele origin: germline.
Comment: This sequence change replaces proline, which is neutral and non-polar, with alanine, which is neutral and non-polar, at codon 250 of the IFT172 protein (p.Pro250Ala). This variant has not been reported in the literature in individuals affected with IFT172-related conditions. This variant is not present in population databases (gnomAD no frequency). ClinVar contains an entry for this variant (Variation ID: 1036485). Algorithms developed to predict the effect of missense changes on protein structure and function are either unavailable or do not agree on the potential impact of this missense change (SIFT: "Deleterious"; PolyPhen-2: "Probably Damaging"; Align-GVGD: "Class C0"). In summary, the available evidence is currently insufficient to determine the role of this variant in disease. Therefore, it has been classified as a Variant of Uncertain Significance.

NM_015662.3(IFT172):c.748C>G (p.Pro250Ala)

Gene: IFT172 (intraflagellar transport 172; minus strand). Cytogenetic location: 2p23.3.
Variant type: single nucleotide variant.
Coding change: c.748C>G on transcript NM_015662.3 (MANE Select); coding-DNA position 748, C replaced by G.
Protein change: p.Pro250Ala; replaces proline 250 with alanine.
Molecular consequence: missense variant.
Genome position (GRCh38, 1-based): chr2:27,481,083, G>C on the plus strand (C>G on the coding strand, the complement: IFT172 is on the minus strand). VCF-style: chr2-27481083-G-C. GRCh37 (hg19) VCF-style: chr2-27703950-G-C.
Other names: c.748C>G (NM_015662.1); short protein forms P250A.
Identifiers: ClinVar variation 1036485 (VCV001036485.12), dbSNP rs1013134780, ClinGen allele CA44516178.